The following is an entry in ClinVar:

NM_002860.4(ALDH18A1):c.684A>C (p.Pro228=)

Gene: ALDH18A1 (aldehyde dehydrogenase 18 family member A1; minus strand). Cytogenetic location: 10q24.1.
Variant type: single nucleotide variant.
Coding change: c.684A>C on transcript NM_002860.4 (MANE Select); coding-DNA position 684, A replaced by C.
Protein change: p.Pro228=; no amino-acid change (proline 228 retained).
Molecular consequence: synonymous variant.
Genome position (GRCh38, 1-based): chr10:95,633,524, T>G on the plus strand (A>C on the coding strand, the complement: ALDH18A1 is on the minus strand). VCF-style: chr10-95633524-T-G. GRCh37 (hg19) VCF-style: chr10-97393281-T-G.
Other names: c.684A>C, p.Pro228= (NM_001323413.2, NM_001323414.2, NM_001323415.2 and 1 more transcripts); c.351A>C, p.Pro117= (NM_001323416.2, NM_001323418.2, NM_001323412.2); c.579A>C, p.Pro193= (NM_001323417.2); c.48A>C, p.Pro16= (NM_001323419.2).
Identifiers: ClinVar variation 2640718 (VCV002640718.24), dbSNP rs2526872792, ClinGen allele CA471030601.
Genomic context (GRCh38, chr10:95,633,524, plus strand): 5'-CTAAACCCTTAGAAATACTTTACCCACATTTACCCCCTGCAGGTCACTGTTGGGCTCAGC[T>G]GGGGGGACAACAGCATCATTTGTGTTGACAATGGGGACAATGTTCATTCTAAGGAGTTCA-3'
Protein context (NP_002851.2, residues 218-238): IVNTNDAVVP[Pro228=]AEPNSDLQGV

ClinVar aggregate classification (germline): Likely benign (1 of 4 stars; one submission).

Submission:

CeGaT Center for Human Genetics Tuebingen
Classification: Likely benign. Last evaluated: 2022-10-01. Review status: criteria provided, single submitter. Criteria: CeGaT Center For Human Genetics Tuebingen Variant Classification Criteria Version 2. Collection method: clinical testing. Allele origin: germline. Affected: yes. Observed: 1 variant allele.
Comment: ALDH18A1: PM2:Supporting, BP4, BP7